The following is an entry in ClinVar:

ClinVar aggregate classification (germline): Uncertain significance. Review status: criteria provided, multiple submitters, no conflicts (2 of 4 stars). 2 submissions from 2 submitters: Uncertain significance (2). Last evaluated 2025-12-08.

Allele frequency attached by ClinVar (database versions not stated): ExAC 0.00001; gnomAD exomes 0.00003; gnomAD 0.00004; TOPMed 0.00009.
gnomAD v4.1: 49 of 1,613,906 alleles (0.003%); highest among the groups gnomAD compares: Admixed American, 0.02%; no homozygotes.

Submissions (2):

Ambry Genetics
Classification: Uncertain significance. Last evaluated: 2025-12-08. Review status: criteria provided, single submitter. Criteria: Ambry Variant Classification Scheme 2023. Collection method: clinical testing. Allele origin: germline.

Labcorp Genetics (formerly Invitae), Labcorp
Classification: Uncertain significance. Last evaluated: 2024-11-08. Review status: criteria provided, single submitter. Criteria: Invitae Variant Classification Sherloc (09022015). Collection method: clinical testing. Allele origin: germline.
Comment: This sequence change replaces arginine, which is basic and polar, with glutamine, which is neutral and polar, at codon 108 of the RPL18 protein (p.Arg108Gln). This variant is present in population databases (rs559300689, gnomAD 0.006%). This variant has not been reported in the literature in individuals affected with RPL18-related conditions. ClinVar contains an entry for this variant (Variation ID: 2198214). An algorithm developed to predict the effect of missense changes on protein structure and function (PolyPhen-2) suggests that this variant is likely to be tolerated. In summary, the available evidence is currently insufficient to determine the role of this variant in disease. Therefore, it has been classified as a Variant of Uncertain Significance.

NM_000979.4(RPL18):c.323G>A (p.Arg108Gln)

Gene: RPL18 (ribosomal protein L18; minus strand). Cytogenetic location: 19q13.33.
Variant type: single nucleotide variant.
Coding change: c.323G>A on transcript NM_000979.4 (MANE Select); coding-DNA position 323, G replaced by A.
Protein change: p.Arg108Gln; replaces arginine 108 with glutamine.
Molecular consequence: missense variant. On other transcripts: non-coding transcript variant (1).
Genome position (GRCh38, 1-based): chr19:48,616,177, C>T on the plus strand (G>A on the coding strand, the complement: RPL18 is on the minus strand). VCF-style: chr19-48616177-C-T. GRCh37 (hg19) VCF-style: chr19-49119434-C-T.
Other names: c.323G>A (NM_000979.2); c.236G>A, p.Arg79Gln (NM_001270490.2); short protein forms R79Q, R108Q.
Identifiers: ClinVar variation 2198214 (VCV002198214.6), dbSNP rs559300689, ClinGen allele CA9554050.